The following is an entry in ClinVar:

NM_052947.4(ALPK2):c.35T>G (p.Leu12Arg)

Gene: ALPK2 (alpha kinase 2; minus strand). Cytogenetic location: 18q21.32.
Variant type: single nucleotide variant.
Coding change: c.35T>G on transcript NM_052947.4 (MANE Select); coding-DNA position 35, T replaced by G.
Protein change: p.Leu12Arg; replaces leucine 12 with arginine.
Molecular consequence: missense variant.
Genome position (GRCh38, 1-based): chr18:58,611,763, A>C on the plus strand (T>G on the coding strand, the complement: ALPK2 is on the minus strand). VCF-style: chr18-58611763-A-C. GRCh37 (hg19) VCF-style: chr18-56278995-A-C.
Other names: short protein forms L12R.
Identifiers: ClinVar variation 1733084 (VCV001733084.2), dbSNP rs2518915343, ClinGen allele CA402558139.

ClinVar aggregate classification (germline): Uncertain significance (1 of 4 stars; one submission).

Submission:

Ambry Genetics
Classification: Uncertain significance. Last evaluated: 2021-12-11. Review status: criteria provided, single submitter. Criteria: Ambry Variant Classification Scheme 2023. Collection method: clinical testing. Allele origin: germline.
Comment: The p.L12R variant (also known as c.35T>G), located in coding exon 1 of the ALPK2 gene, results from a T to G substitution at nucleotide position 35. The leucine at codon 12 is replaced by arginine, an amino acid with dissimilar properties. This amino acid position is conserved. In addition, this alteration is predicted to be tolerated by in silico analysis. Since supporting evidence is limited at this time, the clinical significance of this alteration remains unclear.